The following is an entry in ClinVar:

NM_001430.5(EPAS1):c.1229C>T (p.Ala410Val)

Gene: EPAS1 (endothelial PAS domain protein 1; plus strand). Cytogenetic location: 2p21.
Variant type: single nucleotide variant.
Coding change: c.1229C>T on transcript NM_001430.5 (MANE Select); coding-DNA position 1229, C replaced by T.
Protein change: p.Ala410Val; replaces alanine 410 with valine.
Molecular consequence: missense variant.
Genome position (GRCh38, 1-based): chr2:46,376,733, C>T. VCF-style: chr2-46376733-C-T. GRCh37 (hg19) VCF-style: chr2-46603872-C-T.
Other names: short protein forms A410V.
Identifiers: ClinVar variation 2624648 (VCV002624648.2), dbSNP rs2546471739, ClinGen allele CA346703457.

ClinVar aggregate classification (germline): Uncertain significance (1 of 4 stars; one submission).

Conditions:
Inborn genetic diseases. Identifiers: MedGen C0950123, MeSH D030342.

Submission:

Ambry Genetics
Classification: Uncertain significance for Inborn genetic diseases. Last evaluated: 2023-06-29. Review status: criteria provided, single submitter. Criteria: Ambry Variant Classification Scheme 2023. Collection method: clinical testing. Allele origin: germline.
Comment: The p.A410V variant (also known as c.1229C>T), located in coding exon 9 of the EPAS1 gene, results from a C to T substitution at nucleotide position 1229. The alanine at codon 410 is replaced by valine, an amino acid with similar properties. This amino acid position is conserved. In addition, this alteration is predicted to be tolerated by in silico analysis. Since supporting evidence is limited at this time, the clinical significance of this alteration remains unclear.